The following is an entry in ClinVar:

ClinVar aggregate classification (germline): Uncertain significance (1 of 4 stars; one submission).

Conditions:
Inborn genetic diseases. Identifiers: MedGen C0950123, MeSH D030342.

Submission:

Ambry Genetics
Classification: Uncertain significance for Inborn genetic diseases. Last evaluated: 2022-08-15. Review status: criteria provided, single submitter. Criteria: Ambry Variant Classification Scheme 2023. Collection method: clinical testing. Allele origin: germline.
Comment: The p.F781L variant (also known as c.2343C>A), located in coding exon 18 of the BUB1B gene, results from a C to A substitution at nucleotide position 2343. The phenylalanine at codon 781 is replaced by leucine, an amino acid with highly similar properties. This amino acid position is conserved. In addition, this alteration is predicted to be tolerated by in silico analysis. Since supporting evidence is limited at this time, the clinical significance of this alteration remains unclear.

NM_001211.6(BUB1B):c.2343C>A (p.Phe781Leu)

Gene: BUB1B (BUB1 mitotic checkpoint serine/threonine kinase B; plus strand). Cytogenetic location: 15q15.1.
Variant type: single nucleotide variant.
Coding change: c.2343C>A on transcript NM_001211.6 (MANE Select); coding-DNA position 2343, C replaced by A.
Protein change: p.Phe781Leu; replaces phenylalanine 781 with leucine.
Molecular consequence: missense variant.
Genome position (GRCh38, 1-based): chr15:40,210,168, C>A. VCF-style: chr15-40210168-C-A. GRCh37 (hg19) VCF-style: chr15-40502369-C-A.
Other names: short protein forms F781L.
Identifiers: ClinVar variation 1789898 (VCV001789898.2), dbSNP rs751776754, ClinGen allele CA391694988.
Genomic context (GRCh38, chr15:40,210,168, plus strand): 5'-AGGTAATGAGGATTACTGCATTAAACGAGAATACCTAATATGTGAAGATTACAAGTTATT[C>A]TGGGTGGCGCCAAGAAACTCTGCAGAATTAACAGTAATAAAGGTGGGACTGATTCTTTAT-3'
Protein context (NP_001202.5, residues 771-791): EYLICEDYKL[Phe781Leu]WVAPRNSAEL